The following is an entry in ClinVar:

ClinVar aggregate classification (germline): Benign/Likely benign. Review status: criteria provided, multiple submitters, no conflicts (2 of 4 stars). 3 submissions from 3 submitters: Benign (1); Likely benign (1). 1 of the submissions does not count toward it. Last evaluated 2024-11-25.

Conditions:
RARB-related disorder. Also called: RARB-related condition.
Microphthalmia, syndromic 12 (MCOPS12). Also called: MICROPHTHALMIA WITH OR WITHOUT PULMONARY HYPOPLASIA, DIAPHRAGMATIC HERNIA, AND/OR CARDIAC DEFECTS. Identifiers: Orphanet 2470, Orphanet 689829, MedGen C3809803, MONDO:0014229, OMIM 615524.

Allele frequency attached by ClinVar (database versions not stated): TOPMed 0.00006; gnomAD 0.00036 and 0.00002; 1000 Genomes Project 30x 0.00156; 1000 Genomes Project 0.00200.
gnomAD v4.1: 1,066 of 1,610,834 alleles (0.066%); highest among the groups gnomAD compares: South Asian, 1.1%; 19 homozygotes.

Submissions (3):

Blueprint Genetics
Classification: Likely benign. Last evaluated: 2024-11-25. Review status: criteria provided, single submitter. Criteria: ACMG Guidelines, 2015. Collection method: clinical testing. Allele origin: germline.

Labcorp Genetics (formerly Invitae), Labcorp
Classification: Benign for Microphthalmia, syndromic 12. Last evaluated: 2024-04-07. Review status: criteria provided, single submitter. Criteria: Invitae Variant Classification Sherloc (09022015). Collection method: clinical testing. Allele origin: germline.

PreventionGenetics, part of Exact Sciences
Classification: Benign for RARB-related condition. Last evaluated: 2019-04-25. Review status: no assertion criteria provided. Collection method: clinical testing. Allele origin: germline. Not counted in ClinVar's aggregate classification.
Comment: This variant is classified as benign based on ACMG/AMP sequence variant interpretation guidelines (Richards et al. 2015 PMID: 25741868, with internal and published modifications).

NM_000965.5(RARB):c.1316G>C (p.Ser439Thr)

Gene: RARB (retinoic acid receptor beta; plus strand). Cytogenetic location: 3p24.2.
Variant type: single nucleotide variant.
Coding change: c.1316G>C on transcript NM_000965.5 (MANE Select); coding-DNA position 1316, G replaced by C.
Protein change: p.Ser439Thr; replaces serine 439 with threonine.
Molecular consequence: missense variant. On other transcripts: non-coding transcript variant (2).
Genome position (GRCh38, 1-based): chr3:25,596,585, G>C. VCF-style: chr3-25596585-G-C. GRCh37 (hg19) VCF-style: chr3-25638076-G-C.
Other names: c.1337G>C, p.Ser446Thr (NM_001290216.3); c.980G>C, p.Ser327Thr (NM_001290217.2, NM_001290276.2, NM_016152.4); c.1169G>C, p.Ser390Thr (NM_001290266.2); c.1178G>C, p.Ser393Thr (NM_001290277.1); c.1187G>C, p.Ser396Thr (NM_001290300.2); short protein forms S327T, S393T, S439T, S390T, S396T, S446T.
Identifiers: ClinVar variation 707365 (VCV000707365.12), dbSNP rs368432868, ClinGen allele CA2287910.
Genomic context (GRCh38, chr3:25,596,585, plus strand): 5'-GTTCAAGTGGGAACACAGCAGAGCACAGTCCTAGCATCTCACCCAGCTCAGTGGAAAACA[G>C]TGGGGTCAGTCAGTCACCACTCGTGCAATAAGACATTTTCTAGCTACTTCAAACATTCCC-3'
Protein context (NP_000956.2, residues 429-448): PSISPSSVEN[Ser439Thr]GVSQSPLVQ